The following is an entry in ClinVar:

NM_016213.5(TRIP4):c.1171-5T>G

Gene: TRIP4 (thyroid hormone receptor interactor 4; plus strand). Cytogenetic location: 15q22.31.
Variant type: single nucleotide variant.
Coding change: c.1171-5T>G on transcript NM_016213.5 (MANE Select); 5 bases into the intron before coding-DNA position 1171, T replaced by G.
Molecular consequence: intron variant.
Genome position (GRCh38, 1-based): chr15:64,418,536, T>G. VCF-style: chr15-64418536-T-G. GRCh37 (hg19) VCF-style: chr15-64710735-T-G.
Other names: c.481-5T>G (NM_001321924.2).
Identifiers: ClinVar variation 3032770 (VCV003032770.2), dbSNP rs1891936369, ClinGen allele CA2740096721.

ClinVar aggregate classification (germline): Likely benign (0 of 4 stars; one submission).

Conditions:
TRIP4-related disorder. Also called: TRIP4-related condition; TRIP4-related disorders.

Submission:

PreventionGenetics, part of Exact Sciences
Classification: Likely benign for TRIP4-related condition. Last evaluated: 2020-09-02. Review status: no assertion criteria provided. Collection method: clinical testing. Allele origin: germline.
Comment: This variant is classified as likely benign based on ACMG/AMP sequence variant interpretation guidelines (Richards et al. 2015 PMID: 25741868, with internal and published modifications).